The following is an entry in ClinVar:

ClinVar aggregate classification (germline): Uncertain significance (1 of 4 stars; one submission).

Conditions:
Focal segmental glomerulosclerosis 5 (FSGS5). Identifiers: Orphanet 656, MedGen C2750475, MONDO:0013191, OMIM 613237.
Charcot-Marie-Tooth disease dominant intermediate E. Also called: CHARCOT-MARIE-TOOTH NEUROPATHY WITH FOCAL SEGMENTAL GLOMERULONEPHRITIS. Identifiers: Orphanet 93114, MedGen C4302667, MONDO:0013758, OMIM 614455.

Allele frequency attached by ClinVar (database versions not stated): gnomAD exomes below 0.00001.
gnomAD v4.1: 3 of 1,597,700 alleles (0.00019%); highest among the groups gnomAD compares: Non-Finnish European, 0.00026%; no homozygotes.

Submission:

Labcorp Genetics (formerly Invitae), Labcorp
Classification: Uncertain significance for Charcot-Marie-Tooth disease dominant intermediate E; Focal segmental glomerulosclerosis 5. Last evaluated: 2019-04-29. Review status: criteria provided, single submitter. Criteria: Invitae Variant Classification Sherloc (09022015). Collection method: clinical testing. Allele origin: germline.
Comment: In summary, the available evidence is currently insufficient to determine the role of this variant in disease. Therefore, it has been classified as a Variant of Uncertain Significance. This variant has not been reported in the literature in individuals with INF2-related conditions. This variant is not present in population databases (ExAC no frequency). This sequence change replaces proline with serine at codon 1069 of the INF2 protein (p.Pro1069Ser). The proline residue is weakly conserved and there is a moderate physicochemical difference between proline and serine.

NM_022489.4(INF2):c.3205C>T (p.Pro1069Ser)

Gene: INF2 (inverted formin 2; plus strand). Cytogenetic location: 14q32.33.
Variant type: single nucleotide variant.
Coding change: c.3205C>T on transcript NM_022489.4 (MANE Select); coding-DNA position 3205, C replaced by T.
Protein change: p.Pro1069Ser; replaces proline 1069 with serine.
Molecular consequence: missense variant.
Genome position (GRCh38, 1-based): chr14:104,714,367, C>T. VCF-style: chr14-104714367-C-T. GRCh37 (hg19) VCF-style: chr14-105180704-C-T.
Other names: c.3205C>T, p.Pro1069Ser (NM_001031714.4); short protein forms P1069S.
Identifiers: ClinVar variation 858030 (VCV000858030.9), dbSNP rs1209329545, ClinGen allele CA391223755.